The following is an entry in ClinVar:

NM_005422.4(TECTA):c.5171G>A (p.Ser1724Asn)

Genes: TECTA (tectorin alpha; plus strand), TBCEL-TECTA (TBCEL-TECTA readthrough; plus strand). Cytogenetic location: 11q23.3.
Variant type: single nucleotide variant.
Coding change: c.5171G>A on transcript NM_005422.4 (MANE Select); coding-DNA position 5171, G replaced by A.
Protein change: p.Ser1724Asn; replaces serine 1724 with asparagine.
Molecular consequence: missense variant.
Genome position (GRCh38, 1-based): chr11:121,162,269, G>A. VCF-style: chr11-121162269-G-A. GRCh37 (hg19) VCF-style: chr11-121032978-G-A.
Other names: NM_005422.2(TECTA):n.5171G>A(p.Ser1724Asn); c.6113G>A, p.Ser2038Asn (NM_001378761.1); short protein forms S1724N, S2038N.
Identifiers: ClinVar variation 45336 (VCV000045336.32), dbSNP rs526433, ClinGen allele CA136061.

ClinVar aggregate classification (germline): Benign. Review status: criteria provided, multiple submitters, no conflicts (2 of 4 stars). 15 submissions from 13 submitters: Benign (13). 2 of the submissions do not count toward it. Last evaluated 2026-02-04.

Conditions:
Autosomal recessive nonsyndromic hearing loss 21. Identifiers: Orphanet 90636, MedGen C1863655, MONDO:0011351, OMIM 603629.
Autosomal dominant nonsyndromic hearing loss 12. Also called: DEAFNESS, AUTOSOMAL DOMINANT 8. Identifiers: Orphanet 90635, MedGen C1832187, MONDO:0011102, OMIM 601543.

Allele frequency attached by ClinVar (database versions not stated): gnomAD exomes 0.99013 and 0.99285; ESP Exome Variant Server 0.99208; gnomAD 0.99235 and 0.99261; ExAC 0.99267; TOPMed 0.99277; 1000 Genomes Project 0.99681; 1000 Genomes Project 30x 0.99688.
gnomAD v4.1: 1,598,524 of 1,614,034 alleles (99%); highest among the groups gnomAD compares: East Asian, 100%; 791,613 homozygotes.

Submissions (15):

Labcorp Genetics (formerly Invitae), Labcorp
Classification: Benign. Last evaluated: 2026-02-04. Review status: criteria provided, single submitter. Criteria: Invitae Variant Classification Sherloc (09022015). Collection method: clinical testing. Allele origin: germline.

Genome-Nilou Lab
Classification: Benign for Autosomal dominant nonsyndromic hearing loss 12. Last evaluated: 2021-09-10. Review status: criteria provided, single submitter. Criteria: ACMG Guidelines, 2015. Collection method: clinical testing. Allele origin: germline. Affected: no.

Genome-Nilou Lab
Classification: Benign for Autosomal recessive nonsyndromic hearing loss 21. Last evaluated: 2021-09-10. Review status: criteria provided, single submitter. Criteria: ACMG Guidelines, 2015. Collection method: clinical testing. Allele origin: germline. Affected: no.

Mayo Clinic Laboratories, Mayo Clinic
Classification: Benign. Last evaluated: 2020-07-01. Review status: criteria provided, single submitter. Criteria: ACMG Guidelines, 2015. Collection method: clinical testing. Allele origin: germline. Observed: 159 variant alleles.

Mendelics
Classification: Benign for Autosomal dominant nonsyndromic hearing loss 12. Last evaluated: 2019-05-28. Review status: criteria provided, single submitter. Criteria: Mendelics Assertion Criteria 2017. Collection method: clinical testing. Allele origin: unknown.

SIB Swiss Institute of Bioinformatics
Classification: Benign. Last evaluated: 2018-05-31. Review status: criteria provided, single submitter. Criteria: ACMG Guidelines, 2015. Collection method: curation. Allele origin: unknown.
Comment: This variant is interpreted as a Benign - Stand Alone. The following ACMG Tag(s) were applied: BA1 => Allele frequency is >5% in Exome Sequencing Project, 1000 Genomes Project, or Exome Aggregation Consortium.

Illumina Laboratory Services, Illumina
Classification: Benign for Autosomal recessive nonsyndromic hearing loss 21. Last evaluated: 2018-01-13. Review status: criteria provided, single submitter. Criteria: ICSL Variant Classification Criteria 13 December 2019. Collection method: clinical testing. Allele origin: germline.
Comment: This variant was observed in the ICSL laboratory as part of a predisposition screen in an ostensibly healthy population. It had not been previously curated by ICSL or reported in the Human Gene Mutation Database (HGMD: prior to June 1st, 2018), and was therefore a candidate for classification through an automated scoring system. Utilizing variant allele frequency, disease prevalence and penetrance estimates, and inheritance mode, an automated score was calculated to assess if this variant is too frequent to cause the disease. Based on the score and internal cut-off values, a variant classified as benign is not then subjected to further curation. The score for this variant resulted in a classification of benign for this disease.

Illumina Laboratory Services, Illumina
Classification: Benign for Autosomal dominant nonsyndromic hearing loss 12. Last evaluated: 2018-01-13. Review status: criteria provided, single submitter. Criteria: ICSL Variant Classification Criteria 13 December 2019. Collection method: clinical testing. Allele origin: germline.
Comment: the same text as in the submission from Illumina Laboratory Services, Illumina above.

GeneDx
Classification: Benign. Last evaluated: 2017-05-09. Review status: criteria provided, single submitter. Criteria: GeneDx Variant Classification (06012015). Collection method: clinical testing. Allele origin: germline. Affected: yes.
Comment: This variant is considered likely benign or benign based on one or more of the following criteria: it is a conservative change, it occurs at a poorly conserved position in the protein, it is predicted to be benign by multiple in silico algorithms, and/or has population frequency not consistent with disease.

Eurofins Ntd Llc (ga)
Classification: Benign. Last evaluated: 2014-12-10. Review status: criteria provided, single submitter. Criteria: EGL Classification Definitions 2015. Collection method: clinical testing. Allele origin: germline. Observed: 1 variant allele, 1 homozygote.

Laboratory for Molecular Medicine, Mass General Brigham Personalized Medicine
Classification: Benign. Last evaluated: 2012-05-07. Review status: criteria provided, single submitter. Criteria: LMM Criteria. Collection method: clinical testing. Allele origin: germline. Observed: 1,656 variant alleles.
Comment: Ser1724Asn in Exon 15 of TECTA: This variant is not expected to have clinical si gnificance because it has been identified in 1.1% (75/7020) of European American chromosomes from a broad population by the NHLBI Exome Sequencing Project (dbSNP rs526433).

Breakthrough Genomics
Classification: Benign. Review status: criteria provided, single submitter. Criteria: ACMG Guidelines, 2015. Collection method: not provided. Allele origin: germline. Inheritance: Autosomal recessive inheritance. Affected: yes.

PreventionGenetics, part of Exact Sciences
Classification: Benign. Review status: criteria provided, single submitter. Criteria: ACMG Guidelines, 2015. Collection method: clinical testing. Allele origin: germline.

Diagnostic Laboratory, Department of Genetics, University Medical Center Groningen
Classification: Benign. Review status: no assertion criteria provided. Collection method: clinical testing. Allele origin: germline. Affected: yes. Study: VKGL Data-share Consensus. Not counted in ClinVar's aggregate classification.

Joint Genome Diagnostic Labs from Nijmegen and Maastricht, Radboudumc and MUMC+
Classification: Benign. Review status: no assertion criteria provided. Collection method: clinical testing. Allele origin: germline. Affected: yes. Study: VKGL Data-share Consensus. Not counted in ClinVar's aggregate classification.